The following is an entry in ClinVar:

NM_000051.4(ATM):c.7424T>A (p.Leu2475Ter)

Genes: ATM (ATM serine/threonine kinase; plus strand), C11orf65 (chromosome 11 open reading frame 65; minus strand). Cytogenetic location: 11q22.3.
Variant type: single nucleotide variant.
Coding change: c.7424T>A on transcript NM_000051.4 (MANE Select); coding-DNA position 7424, T replaced by A.
Protein change: p.Leu2475Ter; replaces leucine 2475 with a stop codon.
Molecular consequence: nonsense. On other transcripts: intron variant (2).
Genome position (GRCh38, 1-based): chr11:108,330,330, T>A. VCF-style: chr11-108330330-T-A. GRCh37 (hg19) VCF-style: chr11-108201057-T-A.
Other names: c.7424T>A, p.Leu2475Ter (NM_001351834.2); c.641-21259A>T (NM_001330368.2); c.*38+4890A>T (NM_001351110.2); short protein forms L2475*.
Identifiers: ClinVar variation 4734259 (VCV004734259.2).

ClinVar aggregate classification (germline): Pathogenic. Review status: criteria provided, multiple submitters, no conflicts (2 of 4 stars). 2 submissions from 2 submitters: Pathogenic (2). Last evaluated 2026-06-02.

Conditions:
Ataxia-telangiectasia syndrome (AT). Also called: Ataxia-telangiectasia, complementation group D; AT, COMPLEMENTATION GROUP C; ATAXIA-TELANGIECTASIA, COMPLEMENTATION GROUP A; ATAXIA-TELANGIECTASIA, FRESNO VARIANT; Ataxia-telangiectasia; Ataxia-telangiectasia, complementation group E. Identifiers: Orphanet 100, MedGen C0004135, MONDO:0008840, OMIM 208900.
Familial cancer of breast. Also called: BREAST CANCER, FAMILIAL; Hereditary breast cancer; hereditary breast carcinoma. Identifiers: Orphanet 227535, MedGen C0346153, MONDO:0016419, OMIM 114480. Disease mechanism: loss of function.

Submissions (2):

Myriad Genetics, Inc.
Classification: Pathogenic for Familial cancer of breast. Last evaluated: 2026-06-02. Review status: criteria provided, single submitter. Criteria: Myriad Autosomal Dominant, Autosomal Recessive and X-Linked Classification Criteria (2023). Collection method: clinical testing. Allele origin: unknown.
Comment: This variant is considered pathogenic. This variant creates a termination codon and is predicted to result in premature protein truncation.

Labcorp Genetics (formerly Invitae), Labcorp
Classification: Pathogenic for Ataxia-telangiectasia syndrome. Last evaluated: 2025-12-28. Review status: criteria provided, single submitter. Criteria: Invitae Variant Classification Sherloc (09022015). Collection method: clinical testing. Allele origin: germline.
Comment: This sequence change creates a premature translational stop signal (p.Leu2475*) in the ATM gene. It is expected to result in an absent or disrupted protein product. Loss-of-function variants in ATM are known to be pathogenic (PMID: 23807571, 25614872). This variant is not present in population databases (gnomAD no frequency). This premature translational stop signal has been observed in individual(s) with clinical features of ataxia-telangiectasia (PMID: 32558426). For these reasons, this variant has been classified as Pathogenic.

Literature cited by the submitters: PubMed 23807571 (cited by Labcorp Genetics (formerly Invitae), Labcorp); PubMed 25614872 (cited by Labcorp Genetics (formerly Invitae), Labcorp); PubMed 32558426 (cited by Labcorp Genetics (formerly Invitae), Labcorp).